The following is an entry in ClinVar:

ClinVar aggregate classification (germline): Uncertain significance (1 of 4 stars; one submission).

Submission:

CeGaT Center for Human Genetics Tuebingen
Classification: Uncertain significance. Last evaluated: 2023-03-01. Review status: criteria provided, single submitter. Criteria: CeGaT Center For Human Genetics Tuebingen Variant Classification Criteria Version 2. Collection method: clinical testing. Allele origin: germline. Affected: yes. Observed: 1 variant allele.
Comment: TOP2B: PM2, PP2

NM_001330700.2(TOP2B):c.3251T>A (p.Ile1084Asn)

Gene: TOP2B (DNA topoisomerase II beta; minus strand). Cytogenetic location: 3p24.2.
Variant type: single nucleotide variant.
Coding change: c.3251T>A on transcript NM_001330700.2 (MANE Select); coding-DNA position 3251, T replaced by A.
Protein change: p.Ile1084Asn; replaces isoleucine 1084 with asparagine.
Molecular consequence: missense variant.
Genome position (GRCh38, 1-based): chr3:25,618,662, A>T on the plus strand (T>A on the coding strand, the complement: TOP2B is on the minus strand). VCF-style: chr3-25618662-A-T. GRCh37 (hg19) VCF-style: chr3-25660153-A-T.
Other names: c.3236T>A, p.Ile1079Asn (NM_001068.3); short protein forms I1079N, I1084N.
Identifiers: ClinVar variation 2653630 (VCV002653630.24), dbSNP rs2470323126, ClinGen allele CA351896582.
Genomic context (GRCh38, chr3:25,618,662, plus strand): 5'-AGTTTTTTTTCCATTTTAACTAATGTTCAAATTTTTAAAGGTTGTATCTTACCTATAGTA[A>T]TTTTCCCTTGTATCTTCTCTAAAATGAAACGGGCTTGATTGTTAAGCTTTGTAGATTCTG-3'
Protein context (NP_001317629.1, residues 1074-1094): RFILEKIQGK[Ile1084Asn]TIENRSKKDL